The following is an entry in ClinVar:

NM_004055.5(CAPN5):c.1307A>G (p.Gln436Arg)

Gene: CAPN5 (calpain 5; plus strand). Cytogenetic location: 11q13.5.
Variant type: single nucleotide variant.
Coding change: c.1307A>G on transcript NM_004055.5 (MANE Select); coding-DNA position 1307, A replaced by G.
Protein change: p.Gln436Arg; replaces glutamine 436 with arginine.
Molecular consequence: missense variant.
Genome position (GRCh38, 1-based): chr11:77,120,729, A>G. VCF-style: chr11-77120729-A-G. GRCh37 (hg19) VCF-style: chr11-76831775-A-G.
Other names: short protein forms Q436R.
Identifiers: ClinVar variation 1058457 (VCV001058457.9), dbSNP rs2135487475, ClinGen allele CA381942800.

ClinVar aggregate classification (germline): Uncertain significance (1 of 4 stars; one submission).

Submission:

Labcorp Genetics (formerly Invitae), Labcorp
Classification: Uncertain significance. Last evaluated: 2020-03-16. Review status: criteria provided, single submitter. Criteria: Invitae Variant Classification Sherloc (09022015). Collection method: clinical testing. Allele origin: germline.
Comment: In summary, the available evidence is currently insufficient to determine the role of this variant in disease. Therefore, it has been classified as a Variant of Uncertain Significance. Algorithms developed to predict the effect of missense changes on protein structure and function (SIFT, PolyPhen-2, Align-GVGD) all suggest that this variant is likely to be tolerated, but these predictions have not been confirmed by published functional studies and their clinical significance is uncertain. This variant has not been reported in the literature in individuals with CAPN5-related conditions. This variant is not present in population databases (ExAC no frequency). This sequence change replaces glutamine with arginine at codon 436 of the CAPN5 protein (p.Gln436Arg). The glutamine residue is moderately conserved and there is a small physicochemical difference between glutamine and arginine.